The following is an entry in ClinVar:

ClinVar aggregate classification (germline): Likely pathogenic (1 of 4 stars; one submission).

Conditions:
Deafness-lymphedema-leukemia syndrome. Also called: Emberger syndrome; Lymphedema, primary, with myelodysplasia. Identifiers: Orphanet 3226, MedGen C3279664, MONDO:0013540, OMIM 614038.
GATA2 deficiency with susceptibility to MDS/AML. Identifiers: MedGen CN300066, MONDO:0042982.

Submission:

Molecular Pathology Research Laboratory, SA Pathology
Classification: Likely pathogenic for GATA2 deficiency with susceptibility to MDS/AML; Deafness-lymphedema-leukemia syndrome. Last evaluated: 2021-07-06. Review status: criteria provided, single submitter. Criteria: ACMG Guidelines, 2015. Collection method: curation. Allele origin: unknown. Inheritance: Autosomal dominant inheritance. Affected: yes. Observed: 1 variant allele.
Comment: PS4_Supporting, PM1, PM2, PP3

Literature cited by the submitters: PubMed 26702063.

NM_032638.5(GATA2):c.1110C>G (p.Cys370Trp)

Gene: GATA2 (GATA binding protein 2; minus strand). Cytogenetic location: 3q21.3.
Variant type: single nucleotide variant.
Coding change: c.1110C>G on transcript NM_032638.5 (MANE Select); coding-DNA position 1110, C replaced by G.
Protein change: p.Cys370Trp; replaces cysteine 370 with tryptophan.
Molecular consequence: missense variant.
Genome position (GRCh38, 1-based): chr3:128,481,852, G>C on the plus strand (C>G on the coding strand, the complement: GATA2 is on the minus strand). VCF-style: chr3-128481852-G-C. GRCh37 (hg19) VCF-style: chr3-128200695-G-C.
Other names: c.1110C>G, p.Cys370Trp (NM_001145661.2); c.1068C>G, p.Cys356Trp (NM_001145662.1); short protein forms C356W, C370W.
Identifiers: ClinVar variation 1184161 (VCV001184161.1), dbSNP rs2107668638, ClinGen allele CA354413519.